The following is an entry in ClinVar:

ClinVar aggregate classification (germline): Uncertain significance (1 of 4 stars; one submission).

Conditions:
Renal cell carcinoma. Identifiers: Orphanet 217071, MedGen C0007134, MeSH D002292, MONDO:0005086, HP:0005584.

Submission:

Labcorp Genetics (formerly Invitae), Labcorp
Classification: Uncertain significance for Renal cell carcinoma. Last evaluated: 2021-09-02. Review status: criteria provided, single submitter. Criteria: Invitae Variant Classification Sherloc (09022015). Collection method: clinical testing. Allele origin: germline.
Comment: In summary, the available evidence is currently insufficient to determine the role of this variant in disease. Therefore, it has been classified as a Variant of Uncertain Significance. This variant has not been reported in the literature in individuals affected with MET-related conditions. This variant is not present in population databases (ExAC no frequency). This sequence change creates a premature translational stop signal (p.Val790Argfs*5) in the MET gene. It is expected to result in an absent or disrupted protein product. However, the current clinical and genetic evidence is not sufficient to establish whether loss-of-function variants in MET cause disease.

NM_000245.4(MET):c.2311_2314del (p.Val772fs)

Gene: MET (MET proto-oncogene, receptor tyrosine kinase; plus strand). Cytogenetic location: 7q31.2.
Variant type: Deletion.
Coding change: c.2311_2314del on transcript NM_000245.4 (MANE Select); coding-DNA positions 2311 to 2314, 4 bases deleted (AGTG; older notation c.2311_2314delAGTG).
Protein change: p.Val772fs; shifts the reading frame from valine 772.
Molecular consequence: frameshift variant.
Genome position (GRCh38, 1-based): chr7:116,759,437-116,759,440, AGTG deleted. VCF-style (leftmost placement, unchanged base first): chr7-116759436-TAGTG-T. GRCh37 (hg19) VCF-style: chr7-116399490-TAGTG-T.
Other names: c.2365_2368del, p.Val790fs (NM_001127500.3); c.2311_2314del, p.Val772fs (NM_001324401.3); c.1021_1024del, p.Val342fs (NM_001324402.2); short protein forms V342fs, V772fs, V790fs.
Identifiers: ClinVar variation 1521529 (VCV001521529.6), dbSNP rs2116938280, ClinGen allele CA2573141518.